The following is an entry in ClinVar:

ClinVar aggregate classification (germline): Uncertain significance. Review status: criteria provided, multiple submitters, no conflicts (2 of 4 stars). 2 submissions from 2 submitters: Uncertain significance (2). Last evaluated 2021-12-30.

Conditions:
Hereditary cancer-predisposing syndrome. Also called: Hereditary neoplastic syndrome; Neoplastic Syndromes, Hereditary; Tumor predisposition; Hereditary Cancer Syndrome. Identifiers: Orphanet 140162, MedGen C0027672, MeSH D009386, MONDO:0015356.
Microcephaly, normal intelligence and immunodeficiency (NBS). Also called: IMMUNODEFICIENCY, MICROCEPHALY, AND CHROMOSOMAL INSTABILITY; SEEMANOVA SYNDROME II; Nijmegen breakage syndrome; Microcephaly with normal intelligence immunodeficiency and lymphoreticular malignancies; Nonsyndromal microcephaly autosomal recessive with normal intelligence; Seemanova syndrome 2. Identifiers: Orphanet 647, MedGen C0398791, MONDO:0009623, OMIM 251260.

Allele frequency attached by ClinVar (database versions not stated): gnomAD exomes below 0.00001 and 0.00001; ExAC 0.00001.
gnomAD v4.1: 1 of 1,613,690 alleles (0.000062%); highest among the groups gnomAD compares: Non-Finnish European, 0.000085%; no homozygotes.

Submissions (2):

Labcorp Genetics (formerly Invitae), Labcorp
Classification: Uncertain significance for Microcephaly, normal intelligence and immunodeficiency. Last evaluated: 2021-12-30. Review status: criteria provided, single submitter. Criteria: Invitae Variant Classification Sherloc (09022015). Collection method: clinical testing. Allele origin: germline.
Comment: This sequence change replaces leucine, which is neutral and non-polar, with tryptophan, which is neutral and slightly polar, at codon 19 of the NBN protein (p.Leu19Trp). This variant is present in population databases (rs749263651, gnomAD 0.002%). This variant has not been reported in the literature in individuals affected with NBN-related conditions. ClinVar contains an entry for this variant (Variation ID: 483959). Algorithms developed to predict the effect of missense changes on protein structure and function are either unavailable or do not agree on the potential impact of this missense change (SIFT: "Deleterious"; PolyPhen-2: "Probably Damaging"; Align-GVGD: "Class C0"). In summary, the available evidence is currently insufficient to determine the role of this variant in disease. Therefore, it has been classified as a Variant of Uncertain Significance.

Ambry Genetics
Classification: Uncertain significance for Hereditary cancer-predisposing syndrome. Last evaluated: 2016-04-29. Review status: criteria provided, single submitter. Criteria: Ambry Variant Classification Scheme 2023. Collection method: clinical testing. Allele origin: germline.
Comment: The p.L19W variant (also known as c.56T>G), located in coding exon 2 of the NBN gene, results from a T to G substitution at nucleotide position 56. The leucine at codon 19 is replaced by tryptophan, an amino acid with similar properties. This variant was not reported in population based cohorts in the following databases: Database of Single Nucleotide Polymorphisms (dbSNP), NHLBI Exome Sequencing Project (ESP), and 1000 Genomes Project. In the ESP, this variant was not observed in 6503 samples (13006 alleles) with coverage at this position. To date, this alteration has been detected with an allele frequency of approximately 0.001% (greater than 120000 alleles tested) in our clinical cohort. This amino acid position is highly conserved in available vertebrate species. In addition, the in silico prediction for this alteration is inconclusive. Since supporting evidence is limited at this time, the clinical significance of this alteration remains unclear.

NM_002485.5(NBN):c.56T>G (p.Leu19Trp)

Gene: NBN (nibrin; minus strand). Cytogenetic location: 8q21.3.
Variant type: single nucleotide variant.
Coding change: c.56T>G on transcript NM_002485.5 (MANE Select); coding-DNA position 56, T replaced by G.
Protein change: p.Leu19Trp; replaces leucine 19 with tryptophan.
Molecular consequence: missense variant. On other transcripts: 5 prime UTR variant (1).
Genome position (GRCh38, 1-based): chr8:89,982,837, A>C on the plus strand (T>G on the coding strand, the complement: NBN is on the minus strand). VCF-style: chr8-89982837-A-C. GRCh37 (hg19) VCF-style: chr8-90995065-A-C.
Other names: c.-241T>G (NM_001024688.3); short protein forms L19W.
Identifiers: ClinVar variation 483959 (VCV000483959.10), dbSNP rs749263651, ClinGen allele CA4803063.